The following is an entry in ClinVar:

NM_000426.4(LAMA2):c.4462G>A (p.Gly1488Arg)

Gene: LAMA2 (laminin subunit alpha 2; plus strand). Cytogenetic location: 6q22.33.
Variant type: single nucleotide variant.
Coding change: c.4462G>A on transcript NM_000426.4 (MANE Select); coding-DNA position 4462, G replaced by A.
Protein change: p.Gly1488Arg; replaces glycine 1488 with arginine.
Molecular consequence: missense variant.
Genome position (GRCh38, 1-based): chr6:129,349,323, G>A. VCF-style: chr6-129349323-G-A. GRCh37 (hg19) VCF-style: chr6-129670468-G-A.
Other names: c.4462G>A, p.Gly1488Arg (NM_001079823.2); short protein forms G1488R.
Identifiers: ClinVar variation 766951 (VCV000766951.14), dbSNP rs200961385, ClinGen allele CA3993563.
Genomic context (GRCh38, chr6:129,349,323, plus strand): 5'-AAACTTTTTTTGCAATCCTTTTCTTTCTGATTCAGTTTCAGCCCCTCTTGTGTCGCAGAA[G>A]GACTTGACGACTACCGCTGCACGGCTTGTCCACGGGGATATGAAGGCCAGTACTGTGAAA-3'
Protein context (NP_000417.3, residues 1478-1498): NNFSPSCVAE[Gly1488Arg]LDDYRCTACP

ClinVar aggregate classification (germline): Conflicting classifications of pathogenicity. Review status: criteria provided, conflicting classifications (1 of 4 stars). 3 submissions from 3 submitters: Uncertain significance (2); Likely benign (1). Last evaluated 2026-01-09.

Conditions:
LAMA2-related muscular dystrophy (LAMA2-RD). Also called: Laminin alpha 2-related dystrophy. Identifiers: MedGen C5679788, MONDO:0100228.

Allele frequency attached by ClinVar (database versions not stated): gnomAD exomes 0.00005 and 0.00011; TOPMed 0.00009; gnomAD 0.00010 and 0.00011; ExAC 0.00011.
gnomAD v4.1: 97 of 1,613,392 alleles (0.006%); highest among the groups gnomAD compares: South Asian, 0.0033%; no homozygotes.

Submissions (3):

Labcorp Genetics (formerly Invitae), Labcorp
Classification: Likely benign for LAMA2-related muscular dystrophy. Last evaluated: 2026-01-09. Review status: criteria provided, single submitter. Criteria: Invitae Variant Classification Sherloc (09022015). Collection method: clinical testing. Allele origin: germline.

Revvity Omics, Revvity
Classification: Uncertain significance. Last evaluated: 2025-01-03. Review status: criteria provided, single submitter. Criteria: ACMG Guidelines, 2015. Collection method: clinical testing. Allele origin: germline.

GeneDx
Classification: Uncertain significance. Last evaluated: 2022-04-18. Review status: criteria provided, single submitter. Criteria: GeneDx Variant Classification Process June 2021. Collection method: clinical testing. Allele origin: germline. Affected: yes.
Comment: In silico analysis supports that this missense variant has a deleterious effect on protein structure/function; Has not been previously published as pathogenic or benign to our knowledge